The following is an entry in ClinVar:

NM_206933.4(USH2A):c.9394T>C (p.Ser3132Pro)

Gene: USH2A (usherin; minus strand). Cytogenetic location: 1q41.
Variant type: single nucleotide variant.
Coding change: c.9394T>C on transcript NM_206933.4 (MANE Select); coding-DNA position 9394, T replaced by C.
Protein change: p.Ser3132Pro; replaces serine 3132 with proline.
Molecular consequence: missense variant.
Genome position (GRCh38, 1-based): chr1:215,817,173, A>G on the plus strand (T>C on the coding strand, the complement: USH2A is on the minus strand). VCF-style: chr1-215817173-A-G. GRCh37 (hg19) VCF-style: chr1-215990515-A-G.
Other names: short protein forms S3132P.
Identifiers: ClinVar variation 1010473 (VCV001010473.6), dbSNP rs1662882781, ClinGen allele CA344825381.
Genomic context (GRCh38, chr1:215,817,173, plus strand): 5'-GATACCATGTTTTCCATAGGAGATCATATCCAAGAATGATGCCATTTGGCTTCCGTGGAG[A>G]CACCCAATCAATTTGAAGAGATCTGCAACAGAGAGAATAATCAATACTTCTGAAAAGACA-3'
Protein context (NP_996816.3, residues 3122-3142): TSRSLQIDWV[Ser3132Pro]PRKPNGIILG

ClinVar aggregate classification (germline): Uncertain significance (1 of 4 stars; one submission).

Allele frequency attached by ClinVar (database versions not stated): gnomAD exomes below 0.00001; gnomAD 0.00001.
gnomAD v4.1: 2 of 1,612,306 alleles (0.00012%); highest among the groups gnomAD compares: East Asian, 0.0045%; no homozygotes.

Submission:

Labcorp Genetics (formerly Invitae), Labcorp
Classification: Uncertain significance. Last evaluated: 2022-09-27. Review status: criteria provided, single submitter. Criteria: Invitae Variant Classification Sherloc (09022015). Collection method: clinical testing. Allele origin: germline.
Comment: This sequence change replaces serine, which is neutral and polar, with proline, which is neutral and non-polar, at codon 3132 of the USH2A protein (p.Ser3132Pro). This variant is not present in population databases (gnomAD no frequency). This variant has not been reported in the literature in individuals affected with USH2A-related conditions. ClinVar contains an entry for this variant (Variation ID: 1010473). Advanced modeling of protein sequence and biophysical properties (such as structural, functional, and spatial information, amino acid conservation, physicochemical variation, residue mobility, and thermodynamic stability) performed at Invitae indicates that this missense variant is not expected to disrupt USH2A protein function. In summary, the available evidence is currently insufficient to determine the role of this variant in disease. Therefore, it has been classified as a Variant of Uncertain Significance.